The following is an entry in ClinVar:

NM_001022.4(RPS19):c.357-2A>G

Genes: MIR6797 (microRNA 6797; plus strand), RPS19 (ribosomal protein S19; plus strand), RPS19-CD79A (RPS19-CD79A readthrough; plus strand). Cytogenetic location: 19q13.2.
Variant type: single nucleotide variant.
Coding change: c.357-2A>G on transcript NM_001022.4 (MANE Select); the canonical splice acceptor site of the intron before coding-DNA position 357, A replaced by G.
Molecular consequence: splice acceptor variant. On other transcripts: non-coding transcript variant (1).
Genome position (GRCh38, 1-based): chr19:41,869,697, A>G. VCF-style: chr19-41869697-A-G. GRCh37 (hg19) VCF-style: chr19-42373767-A-G.
Other names: c.357-2A>G (NM_001321484.2, NM_001321483.2); c.370-2A>G (NM_001321485.2).
Identifiers: ClinVar variation 2736899 (VCV002736899.3), dbSNP rs111592339, ClinGen allele CA308568967.

ClinVar aggregate classification (germline): Pathogenic (1 of 4 stars; one submission).

Conditions:
Diamond-Blackfan anemia. Also called: Blackfan Diamond syndrome; Aregenerative anemia chronic congenital; Red cell aplasia, pure hereditary; Congenital hypoplastic anemia; Aase syndrome. Identifiers: Orphanet 124, MedGen C1260899, MeSH D029503, MONDO:0015253, HP:0004810.

Submission:

Labcorp Genetics (formerly Invitae), Labcorp
Classification: Pathogenic for Diamond-Blackfan anemia. Last evaluated: 2023-09-11. Review status: criteria provided, single submitter. Criteria: Invitae Variant Classification Sherloc (09022015). Collection method: clinical testing. Allele origin: germline.
Comment: For these reasons, this variant has been classified as Pathogenic. Algorithms developed to predict the effect of sequence changes on RNA splicing suggest that this variant may disrupt the consensus splice site. Disruption of this splice site has been observed in individual(s) with Diamond-Blackfan anemia (PMID: 24675553). In at least one individual the variant was observed to be de novo. This variant is not present in population databases (gnomAD no frequency). This sequence change affects an acceptor splice site in intron 4 of the RPS19 gene. It is expected to disrupt RNA splicing. Variants that disrupt the donor or acceptor splice site typically lead to a loss of protein function (PMID: 16199547), and loss-of-function variants in RPS19 are known to be pathogenic (PMID: 20960466).

Literature cited by the submitters: PubMed 24675553; PubMed 16199547; PubMed 20960466.